The following is an entry in ClinVar:

ClinVar aggregate classification (germline): Uncertain significance. Review status: criteria provided, multiple submitters, no conflicts (2 of 4 stars). 5 submissions from 5 submitters: Uncertain significance (5). Last evaluated 2026-01-06.

Conditions:
Global developmental delay - lung cysts - overgrowth - Wilms tumor syndrome. Also called: GLOW Syndrome; GLOBAL DEVELOPMENTAL DELAY, LUNG CYSTS, OVERGROWTH, AND WILMS TUMOR. Identifiers: Orphanet 404476, MedGen C4748924, MONDO:0018445, OMIM 618272.
DICER1-related tumor predisposition. Also called: DICER1-related pleuropulmonary blastoma cancer predisposition syndrome; DICER1 syndrome. Identifiers: Orphanet 284343, MedGen C3839822, MONDO:0100216.
Hereditary cancer-predisposing syndrome. Also called: Tumor predisposition; Neoplastic Syndromes, Hereditary; Hereditary Cancer Syndrome; Hereditary neoplastic syndrome. Identifiers: Orphanet 140162, MedGen C0027672, MeSH D009386, MONDO:0015356.

Allele frequency attached by ClinVar (database versions not stated): gnomAD exomes below 0.00001; TOPMed below 0.00001; gnomAD 0.00001.
gnomAD v4.1: 3 of 1,614,092 alleles (0.00019%); highest among the groups gnomAD compares: Admixed American, 0.005%; no homozygotes.

Submissions (5):

Labcorp Genetics (formerly Invitae), Labcorp
Classification: Uncertain significance for DICER1-related tumor predisposition. Last evaluated: 2026-01-06. Review status: criteria provided, single submitter. Criteria: Invitae Variant Classification Sherloc (09022015). Collection method: clinical testing. Allele origin: germline.
Comment: This sequence change replaces tyrosine, which is neutral and polar, with phenylalanine, which is neutral and non-polar, at codon 749 of the DICER1 protein (p.Tyr749Phe). This variant is not present in population databases (gnomAD no frequency). This variant has not been reported in the literature in individuals affected with DICER1-related conditions. ClinVar contains an entry for this variant (Variation ID: 477094). Invitae Evidence Modeling of protein sequence and biophysical properties (such as structural, functional, and spatial information, amino acid conservation, physicochemical variation, residue mobility, and thermodynamic stability) indicates that this missense variant is expected to disrupt DICER1 protein function with a positive predictive value of 95%. In summary, the available evidence is currently insufficient to determine the role of this variant in disease. Therefore, it has been classified as a Variant of Uncertain Significance.

Baylor Genetics
Classification: Uncertain significance for Global developmental delay - lung cysts - overgrowth - Wilms tumor syndrome. Last evaluated: 2024-01-25. Review status: criteria provided, single submitter. Criteria: ACMG Guidelines, 2015. Collection method: clinical testing. Allele origin: unknown.

Ambry Genetics
Classification: Uncertain significance for Hereditary cancer-predisposing syndrome. Last evaluated: 2023-10-11. Review status: criteria provided, single submitter. Criteria: Ambry Variant Classification Scheme 2023. Collection method: clinical testing. Allele origin: germline.
Comment: The p.Y749F variant (also known as c.2246A>T), located in coding exon 13 of the DICER1 gene, results from an A to T substitution at nucleotide position 2246. The tyrosine at codon 749 is replaced by phenylalanine, an amino acid with highly similar properties. This amino acid position is highly conserved in available vertebrate species. In addition, the in silico prediction for this alteration is inconclusive. Since supporting evidence is limited at this time, the clinical significance of this alteration remains unclear.

Sema4
Classification: Uncertain significance for Hereditary cancer-predisposing syndrome. Last evaluated: 2021-05-03. Review status: criteria provided, single submitter. Criteria: Sema4 Curation Guidelines. Collection method: curation. Allele origin: germline.
Comment: The DICER1 c.2246A>T (p.Y749F) variant has not been reported in the literature to our knowledge. This variant was not observed in the large and broad cohorts of the Genome Aggregation Database. The variant has been reported in Clinvar (Variation ID 477094). In silico tools suggest the impact of the variant on protein function to be inconclusive, although these predictions have not been confirmed by functional studies. The overall evidence is insufficient to meet ACMG/AMP criteria for classifying it as benign or pathogenic. Thus, the clinical significance of this variant is currently uncertain.

Revvity Omics, Revvity
Classification: Uncertain significance. Last evaluated: 2019-07-05. Review status: criteria provided, single submitter. Criteria: ACMG Guidelines, 2015. Collection method: clinical testing. Allele origin: germline.

NM_177438.3(DICER1):c.2246A>T (p.Tyr749Phe)

Gene: DICER1 (dicer 1, ribonuclease III; minus strand). Cytogenetic location: 14q32.13.
Variant type: single nucleotide variant.
Coding change: c.2246A>T on transcript NM_177438.3 (MANE Select); coding-DNA position 2246, A replaced by T.
Protein change: p.Tyr749Phe; replaces tyrosine 749 with phenylalanine.
Molecular consequence: missense variant.
Genome position (GRCh38, 1-based): chr14:95,111,327, T>A on the plus strand (A>T on the coding strand, the complement: DICER1 is on the minus strand). VCF-style: chr14-95111327-T-A. GRCh37 (hg19) VCF-style: chr14-95577664-T-A.
Other names: c.2246A>T, p.Tyr749Phe (NM_001195573.1, NM_001271282.3, NM_001291628.2 and 1 more transcripts); short protein forms Y749F.
Identifiers: ClinVar variation 477094 (VCV000477094.18), dbSNP rs1309961626, ClinGen allele CA390882481.